The following is an entry in ClinVar:

NM_000057.4(BLM):c.4237T>C (p.Ser1413Pro)

Gene: BLM (BLM RecQ like helicase; plus strand). Cytogenetic location: 15q26.1.
Variant type: single nucleotide variant.
Coding change: c.4237T>C on transcript NM_000057.4 (MANE Select); coding-DNA position 4237, T replaced by C.
Protein change: p.Ser1413Pro; replaces serine 1413 with proline.
Molecular consequence: missense variant.
Genome position (GRCh38, 1-based): chr15:90,815,262, T>C. VCF-style: chr15-90815262-T-C. GRCh37 (hg19) VCF-style: chr15-91358492-T-C.
Other names: c.4237T>C, p.Ser1413Pro (NM_001287246.2); c.3844T>C, p.Ser1282Pro (NM_001287247.2); c.3112T>C, p.Ser1038Pro (NM_001287248.2); short protein forms S1413P, S1038P, S1282P.
Identifiers: ClinVar variation 1492149 (VCV001492149.8), dbSNP rs767443059, ClinGen allele CA7739218.

ClinVar aggregate classification (germline): Uncertain significance. Review status: criteria provided, multiple submitters, no conflicts (2 of 4 stars). 2 submissions from 2 submitters: Uncertain significance (2). Last evaluated 2025-03-24.

Conditions:
Hereditary cancer-predisposing syndrome. Also called: Tumor predisposition; Hereditary neoplastic syndrome; Neoplastic Syndromes, Hereditary; Hereditary Cancer Syndrome. Identifiers: Orphanet 140162, MedGen C0027672, MeSH D009386, MONDO:0015356.
Bloom syndrome (BLM). Also called: Bloom-Torre-Machacek syndrome. Identifiers: Orphanet 125, MedGen C0005859, MONDO:0008876, OMIM 210900.

Allele frequency attached by ClinVar (database versions not stated): gnomAD exomes 0.00001 and 0.00002; ExAC 0.00002.
gnomAD v4.1: 14 of 1,614,128 alleles (0.00087%); highest among the groups gnomAD compares: South Asian, 0.012%; no homozygotes.

Submissions (2):

Labcorp Genetics (formerly Invitae), Labcorp
Classification: Uncertain significance for Bloom syndrome. Last evaluated: 2025-03-24. Review status: criteria provided, single submitter. Criteria: Invitae Variant Classification Sherloc (09022015). Collection method: clinical testing. Allele origin: germline.
Comment: This sequence change replaces serine, which is neutral and polar, with proline, which is neutral and non-polar, at codon 1413 of the BLM protein (p.Ser1413Pro). This variant is present in population databases (rs767443059, gnomAD 0.02%). This variant has not been reported in the literature in individuals affected with BLM-related conditions. ClinVar contains an entry for this variant (Variation ID: 1492149). An algorithm developed to predict the effect of missense changes on protein structure and function (PolyPhen-2) suggests that this variant is likely to be disruptive. In summary, the available evidence is currently insufficient to determine the role of this variant in disease. Therefore, it has been classified as a Variant of Uncertain Significance.

Ambry Genetics
Classification: Uncertain significance for Hereditary cancer-predisposing syndrome. Last evaluated: 2023-12-16. Review status: criteria provided, single submitter. Criteria: Ambry Variant Classification Scheme 2023. Collection method: clinical testing. Allele origin: germline.
Comment: The p.S1413P variant (also known as c.4237T>C), located in coding exon 21 of the BLM gene, results from a T to C substitution at nucleotide position 4237. The serine at codon 1413 is replaced by proline, an amino acid with similar properties. This amino acid position is conserved. In addition, the in silico prediction for this alteration is inconclusive. Since supporting evidence is limited at this time, the clinical significance of this alteration remains unclear.